The following is an entry in ClinVar:

ClinVar aggregate classification (germline): Uncertain significance (1 of 4 stars; one submission).

Submission:

Labcorp Genetics (formerly Invitae), Labcorp
Classification: Uncertain significance. Last evaluated: 2022-02-05. Review status: criteria provided, single submitter. Criteria: Invitae Variant Classification Sherloc (09022015). Collection method: clinical testing. Allele origin: germline.
Comment: This variant is not present in population databases (gnomAD no frequency). In summary, the available evidence is currently insufficient to determine the role of this variant in disease. Therefore, it has been classified as a Variant of Uncertain Significance. Algorithms developed to predict the effect of missense changes on protein structure and function are either unavailable or do not agree on the potential impact of this missense change (SIFT: "Not Available"; PolyPhen-2: "Probably Damaging"; Align-GVGD: "Not Available"). This variant has not been reported in the literature in individuals affected with NTHL1-related conditions. This sequence change replaces lysine, which is basic and polar, with asparagine, which is neutral and polar, at codon 185 of the NTHL1 protein (p.Lys185Asn).

NM_002528.7(NTHL1):c.531G>C (p.Lys177Asn)

Gene: NTHL1 (nth like DNA glycosylase 1; minus strand). Cytogenetic location: 16p13.3.
Variant type: single nucleotide variant.
Coding change: c.531G>C on transcript NM_002528.7 (MANE Select); coding-DNA position 531, G replaced by C.
Protein change: p.Lys177Asn; replaces lysine 177 with asparagine.
Molecular consequence: missense variant.
Genome position (GRCh38, 1-based): chr16:2,043,721, C>G on the plus strand (G>C on the coding strand, the complement: NTHL1 is on the minus strand). VCF-style: chr16-2043721-C-G. GRCh37 (hg19) VCF-style: chr16-2093722-C-G.
Other names: c.360G>C, p.Lys120Asn (NM_001318193.2); c.201G>C, p.Lys67Asn (NM_001318194.2); short protein forms K120N, K177N, K67N.
Identifiers: ClinVar variation 2093482 (VCV002093482.4), dbSNP rs1329959429, ClinGen allele CA394292590.